The following is an entry in ClinVar:

NM_000081.4(LYST):c.8390A>G (p.Glu2797Gly)

Gene: LYST (lysosomal trafficking regulator; minus strand). Cytogenetic location: 1q42.3.
Variant type: single nucleotide variant.
Coding change: c.8390A>G on transcript NM_000081.4 (MANE Select); coding-DNA position 8390, A replaced by G.
Protein change: p.Glu2797Gly; replaces glutamic acid 2797 with glycine.
Molecular consequence: missense variant.
Genome position (GRCh38, 1-based): chr1:235,734,628, T>C on the plus strand (A>G on the coding strand, the complement: LYST is on the minus strand). VCF-style: chr1-235734628-T-C. GRCh37 (hg19) VCF-style: chr1-235897928-T-C.
Other names: c.8390A>G, p.Glu2797Gly (NM_001301365.1); short protein forms E2797G.
Identifiers: ClinVar variation 933746 (VCV000933746.4), dbSNP rs2527560277, ClinGen allele CA344921211.

ClinVar aggregate classification (germline): Uncertain significance (1 of 4 stars; one submission).

Conditions:
Chédiak-Higashi syndrome (CHS). Also called: Chediak-Higashi Syndrome. Identifiers: Orphanet 167, MedGen C0007965, MONDO:0008963, OMIM 214500.

Submission:

Labcorp Genetics (formerly Invitae), Labcorp
Classification: Uncertain significance for Chédiak-Higashi syndrome. Last evaluated: 2021-08-25. Review status: criteria provided, single submitter. Criteria: Invitae Variant Classification Sherloc (09022015). Collection method: clinical testing. Allele origin: germline.
Comment: This sequence change replaces glutamic acid with glycine at codon 2797 of the LYST protein (p.Glu2797Gly). The glutamic acid residue is moderately conserved and there is a moderate physicochemical difference between glutamic acid and glycine. This variant is not present in population databases (ExAC no frequency). This variant has not been reported in the literature in individuals affected with LYST-related conditions. Algorithms developed to predict the effect of missense changes on protein structure and function are either unavailable or do not agree on the potential impact of this missense change (SIFT: "Deleterious"; PolyPhen-2: "Probably Damaging"; Align-GVGD: "Class C0"). In summary, the available evidence is currently insufficient to determine the role of this variant in disease. Therefore, it has been classified as a Variant of Uncertain Significance.